The following is an entry in ClinVar:

ClinVar aggregate classification (germline): Uncertain significance. Review status: criteria provided, multiple submitters, no conflicts (2 of 4 stars). 5 submissions from 5 submitters: Uncertain significance (5). Last evaluated 2026-09-11.

Conditions:
Cardiovascular phenotype. Identifiers: MedGen CN230736.
Cardiomyopathy (CMYO). Also called: Cardiomyopathies. Identifiers: Orphanet 167848, MedGen C0878544, MONDO:0004994, HP:0001638. Inheritance: Various modes of inheritance.
Hypertrophic cardiomyopathy. Also called: HYPERTROPHIC MYOCARDIOPATHY. Identifiers: Orphanet 217569, MedGen C0007194, MeSH D002312, MONDO:0005045, HP:0001639.
MYBPC3-related disorder. Also called: MYBPC3-related disorders; MYBPC3-related condition; MYBPC3-related disease.

Allele frequency attached by ClinVar (database versions not stated): TOPMed 0.00001.

Submissions (5):

PreventionGenetics, part of Exact Sciences
Classification: Uncertain significance for MYBPC3-related condition. Last evaluated: 2026-09-11. Review status: criteria provided, single submitter. Criteria: ACMG Guidelines, 2015. Collection method: clinical testing. Allele origin: germline.
Comment: The MYBPC3 c.2081C>G variant is predicted to result in the amino acid substitution p.Pro694Arg. To our knowledge, this variant has not been reported in the literature in individuals with MYBPC3-related disorders or in a large population database (gnomAD), indicating this variant is rare. At this time, the clinical significance of this variant is uncertain due to the absence of conclusive functional and genetic evidence.

Color Diagnostics, LLC DBA Color Health
Classification: Uncertain significance for Cardiomyopathy. Last evaluated: 2025-12-11. Review status: criteria provided, single submitter. Criteria: ACMG Guidelines, 2015. Collection method: clinical testing. Allele origin: germline.
Comment: This missense variant replaces proline with arginine at codon 694 of the MYBPC3 protein. Computational prediction suggests that this variant may not impact protein structure and function. To our knowledge, functional studies have not been reported for this variant. This variant has not been reported in individuals affected with MYBPC3-related disorders in the literature. This variant has been identified in 27/1613906 chromosomes in the general population by the Genome Aggregation Database (gnomAD). The available evidence is insufficient to determine the role of this variant in disease conclusively. Therefore, this variant is classified as a Variant of Uncertain Significance.

Labcorp Genetics (formerly Invitae), Labcorp
Classification: Uncertain significance for Hypertrophic cardiomyopathy. Last evaluated: 2024-10-04. Review status: criteria provided, single submitter. Criteria: Invitae Variant Classification Sherloc (09022015). Collection method: clinical testing. Allele origin: germline.
Comment: This sequence change replaces proline, which is neutral and non-polar, with arginine, which is basic and polar, at codon 694 of the MYBPC3 protein (p.Pro694Arg). This variant is not present in population databases (gnomAD no frequency). This variant has not been reported in the literature in individuals affected with MYBPC3-related conditions. ClinVar contains an entry for this variant (Variation ID: 922442). An algorithm developed to predict the effect of missense changes on protein structure and function (PolyPhen-2) suggests that this variant is likely to be tolerated. In summary, the available evidence is currently insufficient to determine the role of this variant in disease. Therefore, it has been classified as a Variant of Uncertain Significance.

Ambry Genetics
Classification: Uncertain significance for Cardiovascular phenotype. Last evaluated: 2024-08-13. Review status: criteria provided, single submitter. Criteria: Ambry Variant Classification Scheme 2023. Collection method: clinical testing. Allele origin: germline.
Comment: The p.P694R variant (also known as c.2081C>G), located in coding exon 22 of the MYBPC3 gene, results from a C to G substitution at nucleotide position 2081. The proline at codon 694 is replaced by arginine, an amino acid with dissimilar properties. This variant was reported in an exome sequencing cohort (Kurzlechner LM et al. J Pers Med, 2022 Apr;12:). This amino acid position is not well conserved in available vertebrate species. In addition, this alteration is predicted to be tolerated by in silico analysis. Based on the available evidence, the clinical significance of this variant remains unclear.

All of Us Research Program, National Institutes of Health
Classification: Uncertain significance for Hypertrophic cardiomyopathy. Last evaluated: 2023-12-13. Review status: criteria provided, single submitter. Criteria: ACMG Guidelines, 2015. Collection method: clinical testing. Allele origin: germline. Inheritance: Autosomal dominant inheritance. Observed: 2 variant alleles, 2 heterozygotes.
Comment: This missense variant replaces proline with arginine at codon 694 of the MYBPC3 protein. Computational prediction suggests that this variant may not impact protein structure and function (internally defined REVEL score threshold <= 0.5, PMID: 27666373). To our knowledge, functional studies have not been reported for this variant. This variant has not been reported in individuals affected with cardiovascular disorders in the literature. This variant has not been identified in the general population by the Genome Aggregation Database (gnomAD). The available evidence is insufficient to determine the role of this variant in disease conclusively. Therefore, this variant is classified as a Variant of Uncertain Significance.

This study involves interpretation of variants in research participants for the purpose of population health screening. Participant phenotype was not available at the time of variant classification. Additional details can be found in publication PMID: 35346344, PMCID: PMC8962531

Literature cited by the submitters: PubMed 35629155 (cited by Ambry Genetics).

NM_000256.3(MYBPC3):c.2081C>G (p.Pro694Arg)

Gene: MYBPC3 (myosin binding protein C3; minus strand). Cytogenetic location: 11p11.2.
Variant type: single nucleotide variant.
Coding change: c.2081C>G on transcript NM_000256.3 (MANE Select); coding-DNA position 2081, C replaced by G.
Protein change: p.Pro694Arg; replaces proline 694 with arginine.
Molecular consequence: missense variant.
Genome position (GRCh38, 1-based): chr11:47,339,391, G>C on the plus strand (C>G on the coding strand, the complement: MYBPC3 is on the minus strand). VCF-style: chr11-47339391-G-C. GRCh37 (hg19) VCF-style: chr11-47360942-G-C.
Other names: short protein forms P694R.
Identifiers: ClinVar variation 922442 (VCV000922442.11), dbSNP rs1448112841, ClinGen allele CA380321135.